The following is an entry in ClinVar:

ClinVar aggregate classification (germline): Conflicting classifications of pathogenicity. Review status: criteria provided, conflicting classifications (1 of 4 stars). 2 submissions from 2 submitters: Likely pathogenic (1); Uncertain significance (1). Last evaluated 2025-03-17.

Conditions:
Sotos syndrome (SOTOS). Also called: Sotos' syndrome; CHROMOSOME 5q35 DELETION SYNDROME; SOTOS SYNDROME 1; Distinctive facial appearance, overgrowth in childhood, and learning disabilities or delayed development; CEREBRAL GIGANTISM. Identifiers: Orphanet 821, MedGen C0175695, MONDO:0019349, OMIM 117550.

Submissions (2):

3billion
Classification: Likely pathogenic for Sotos syndrome. Last evaluated: 2025-03-17. Review status: criteria provided, single submitter. Criteria: ACMG Guidelines, 2015. Collection method: clinical testing. Allele origin: germline. Affected: yes.

Labcorp Genetics (formerly Invitae), Labcorp
Classification: Uncertain significance. Last evaluated: 2020-03-08. Review status: criteria provided, single submitter. Criteria: Invitae Variant Classification Sherloc (09022015). Collection method: clinical testing. Allele origin: germline.
Comment: In summary, the available evidence is currently insufficient to determine the role of this variant in disease. Therefore, it has been classified as a Variant of Uncertain Significance. Algorithms developed to predict the effect of missense changes on protein structure and function are either unavailable or do not agree on the potential impact of this missense change (SIFT: "Deleterious"; PolyPhen-2: "Probably Damaging"; Align-GVGD: "Class C0"). This variant has not been reported in the literature in individuals with NSD1-related conditions. This variant is not present in population databases (ExAC no frequency). This sequence change replaces cysteine with phenylalanine at codon 1689 of the NSD1 protein (p.Cys1689Phe). The cysteine residue is moderately conserved and there is a large physicochemical difference between cysteine and phenylalanine.

NM_022455.5(NSD1):c.5066G>T (p.Cys1689Phe)

Gene: NSD1 (nuclear receptor binding SET domain protein 1; plus strand). Cytogenetic location: 5q35.3.
Variant type: single nucleotide variant.
Coding change: c.5066G>T on transcript NM_022455.5 (MANE Select); coding-DNA position 5066, G replaced by T.
Protein change: p.Cys1689Phe; replaces cysteine 1689 with phenylalanine.
Molecular consequence: missense variant.
Genome position (GRCh38, 1-based): chr5:177,260,088, G>T. VCF-style: chr5-177260088-G-T. GRCh37 (hg19) VCF-style: chr5-176687089-G-T.
Other names: c.4193G>T, p.Cys1398Phe (NM_001365684.2, NM_172349.5, NM_001409308.1 and 1 more transcripts); c.5066G>T, p.Cys1689Phe (NM_001409301.1, NM_001409302.1, NM_001409303.1); c.4646G>T, p.Cys1549Phe (NM_001409304.1); c.4313G>T, p.Cys1438Phe (NM_001409305.1); c.4304G>T, p.Cys1435Phe (NM_001409306.1, NM_001409307.1); short protein forms C1420F, C1689F, C1438F, C1398F, C1435F, C1549F.
Identifiers: ClinVar variation 1021690 (VCV001021690.10), dbSNP rs1756866850, ClinGen allele CA362303060.
Genomic context (GRCh38, chr5:177,260,088, plus strand): 5'-ACGCCAATGACTTTTGCCTGGCTGCTGGGTCAAAGATCCTTGCATCTAATAGTATCATCT[G>T]CCCTAATCACTTTACCCCTAGGCGGGGCTGCCGAAATCATGAGCATGTTAATGTTAGCTG-3'
Protein context (NP_071900.2, residues 1679-1699): SKILASNSII[Cys1689Phe]PNHFTPRRGC